The following is an entry in ClinVar:

ClinVar aggregate classification (germline): Uncertain significance (1 of 4 stars; one submission).

Conditions:
Familial adenomatous polyposis 1 (FAP1). Also called: FAMILIAL ADENOMATOUS POLYPOSIS 1, ATTENUATED; POLYPOSIS, ADENOMATOUS INTESTINAL. Identifiers: MedGen C2713442, MONDO:0021056, OMIM 175100. Disease mechanism: loss of function.

Submission:

Labcorp Genetics (formerly Invitae), Labcorp
Classification: Uncertain significance for Familial adenomatous polyposis 1. Last evaluated: 2022-08-31. Review status: criteria provided, single submitter. Criteria: Invitae Variant Classification Sherloc (09022015). Collection method: clinical testing. Allele origin: germline.
Comment: This variant is not present in population databases (gnomAD no frequency). This variant has not been reported in the literature in individuals affected with APC-related conditions. ClinVar contains an entry for this variant (Variation ID: 1353447). This sequence change replaces proline, which is neutral and non-polar, with leucine, which is neutral and non-polar, at codon 870 of the APC protein (p.Pro870Leu). In summary, the available evidence is currently insufficient to determine the role of this variant in disease. Therefore, it has been classified as a Variant of Uncertain Significance. Algorithms developed to predict the effect of missense changes on protein structure and function (SIFT, PolyPhen-2, Align-GVGD) all suggest that this variant is likely to be tolerated.

NM_000038.6(APC):c.2609C>T (p.Pro870Leu)

Gene: APC (APC regulator of Wnt signaling pathway; plus strand). Cytogenetic location: 5q22.2.
Variant type: single nucleotide variant.
Coding change: c.2609C>T on transcript NM_000038.6 (MANE Select); coding-DNA position 2609, C replaced by T.
Protein change: p.Pro870Leu; replaces proline 870 with leucine.
Molecular consequence: missense variant.
Genome position (GRCh38, 1-based): chr5:112,838,203, C>T. VCF-style: chr5-112838203-C-T. GRCh37 (hg19) VCF-style: chr5-112173900-C-T.
Other names: c.2609C>T, p.Pro870Leu (NM_001127510.3, NM_001354895.2); c.2555C>T, p.Pro852Leu (NM_001127511.3); c.2663C>T, p.Pro888Leu (NM_001354896.2); c.2639C>T, p.Pro880Leu (NM_001354897.2); c.2534C>T, p.Pro845Leu (NM_001354898.2); c.2525C>T, p.Pro842Leu (NM_001354899.2); c.2486C>T, p.Pro829Leu (NM_001354900.2); c.2432C>T, p.Pro811Leu (NM_001354901.2); and 5 more; short protein forms P811L, P880L, P710L, P744L, P769L, P888L, P779L, P829L.
Identifiers: ClinVar variation 1353447 (VCV001353447.6), dbSNP rs2149873569, ClinGen allele CA16027044.